The following is an entry in ClinVar:

NM_004260.4(RECQL4):c.2825A>C (p.Tyr942Ser)

Gene: RECQL4 (RecQ like helicase 4; minus strand). Cytogenetic location: 8q24.3.
Variant type: single nucleotide variant.
Coding change: c.2825A>C on transcript NM_004260.4 (MANE Select); coding-DNA position 2825, A replaced by C.
Protein change: p.Tyr942Ser; replaces tyrosine 942 with serine.
Molecular consequence: missense variant.
Genome position (GRCh38, 1-based): chr8:144,512,702, T>G on the plus strand (A>C on the coding strand, the complement: RECQL4 is on the minus strand). VCF-style: chr8-144512702-T-G. GRCh37 (hg19) VCF-style: chr8-145738085-T-G.
Other names: short protein forms Y942S.
Identifiers: ClinVar variation 643916 (VCV000643916.1), dbSNP rs1586797102, ClinGen allele CA372674213.

ClinVar aggregate classification (germline): Uncertain significance (1 of 4 stars; one submission).

Conditions:
Baller-Gerold syndrome (BGS). Also called: CRANIOSYNOSTOSIS WITH RADIAL DEFECTS. Identifiers: Orphanet 1225, MedGen C0265308, MONDO:0009039, OMIM 218600.

Allele frequency attached by ClinVar (database versions not stated): gnomAD exomes below 0.00001.
gnomAD v4.1: 1 of 1,612,386 alleles (0.000062%); highest among the groups gnomAD compares: South Asian, 0.0011%; no homozygotes.

Submission:

Labcorp Genetics (formerly Invitae), Labcorp
Classification: Uncertain significance for Baller-Gerold syndrome. Last evaluated: 2018-12-03. Review status: criteria provided, single submitter. Criteria: Invitae Variant Classification Sherloc (09022015). Collection method: clinical testing. Allele origin: germline.
Comment: This sequence change replacesÂ¬â€ tyrosineÂ¬â€ with serineÂ¬â€ at codon 942 of the RECQL4 protein (p.Tyr942Ser). TheÂ¬â€ tyrosineÂ¬â€ residue is highly conserved and there is a large physicochemical difference betweenÂ¬â€ tyrosineÂ¬â€ andÂ¬â€ serine. This variant is not present in population databases (ExAC no frequency). This variant has not been reported in the literature in individuals with RECQL4-related conditions. Algorithms developed to predict the effect of missense changes on protein structure and function are either unavailable or do not agree on the potential impact of this missense change (SIFT: "Tolerated"; PolyPhen-2: "Not Available"; Align-GVGD: "Class C0"). In summary, the available evidence is currently insufficient to determine the role of this variant in disease. Therefore, it has been classified as a Variant of Uncertain Significance.